The following is an entry in ClinVar:

ClinVar aggregate classification (germline): Uncertain significance (1 of 4 stars; one submission).

Submission:

Labcorp Genetics (formerly Invitae), Labcorp
Classification: Uncertain significance. Last evaluated: 2025-10-22. Review status: criteria provided, single submitter. Criteria: Invitae Variant Classification Sherloc (09022015). Collection method: clinical testing. Allele origin: germline.
Comment: This sequence change falls in intron 5 of the ZEB1 gene. It does not directly change the encoded amino acid sequence of the ZEB1 protein. It affects a nucleotide within the consensus splice site. This variant is not present in population databases (gnomAD no frequency). This variant has not been reported in the literature in individuals affected with ZEB1-related conditions. Variants that disrupt the consensus splice site are a relatively common cause of aberrant splicing (PMID: 17576681, 9536098). Algorithms developed to predict the effect of sequence changes on RNA splicing suggest that this variant may disrupt the consensus splice site. In summary, the available evidence is currently insufficient to determine the role of this variant in disease. Therefore, it has been classified as a Variant of Uncertain Significance.

Literature cited by the submitters: PubMed 17576681; PubMed 9536098.

NM_001174096.2(ZEB1):c.687+5G>A

Gene: ZEB1 (zinc finger E-box binding homeobox 1; plus strand). Cytogenetic location: 10p11.22.
Variant type: single nucleotide variant.
Coding change: c.687+5G>A on transcript NM_001174096.2 (MANE Select); 5 bases into the intron after coding-DNA position 687, G replaced by A.
Molecular consequence: intron variant.
Genome position (GRCh38, 1-based): chr10:31,510,880, G>A. VCF-style: chr10-31510880-G-A. GRCh37 (hg19) VCF-style: chr10-31799808-G-A.
Other names: c.30+5G>A (NM_001323643.2, NM_001323638.2, NM_001323646.2 and 27 more transcripts); c.684+5G>A (NM_030751.6); c.624+5G>A (NM_001174093.2); c.462+5G>A (NM_001323674.2); c.483+5G>A (NM_001174095.2); c.636+5G>A (NM_001128128.3); c.633+5G>A (NM_001174094.2); c.411+5G>A (NM_001323678.2); and 3 more.
Identifiers: ClinVar variation 4746339 (VCV004746339.1).